The following is an entry in ClinVar:

ClinVar aggregate classification (germline): Likely benign (1 of 4 stars; one submission).

Conditions:
CEDNIK syndrome. Also called: Cerebral dysgenesis, neuropathy, ichthyosis, and palmoplantar keratoderma; CEREBRAL DYSGENESIS, NEUROPATHY, ICHTHYOSIS, AND PALMOPLANTAR KERATODERMA SYNDROME. Identifiers: Orphanet 66631, MedGen C1836033, MONDO:0012290, OMIM 609528.

Allele frequency attached by ClinVar (database versions not stated): gnomAD 0.00160 and 0.00170; TOPMed 0.00169; 1000 Genomes Project 0.00180; 1000 Genomes Project 30x 0.00187.

Submission:

Illumina Laboratory Services, Illumina
Classification: Likely benign for CEDNIK syndrome. Last evaluated: 2018-01-13. Review status: criteria provided, single submitter. Criteria: ICSL Variant Classification Criteria 13 December 2019. Collection method: clinical testing. Allele origin: germline.
Comment: This variant was observed in the ICSL laboratory as part of a predisposition screen in an ostensibly healthy population. It had not been previously curated by ICSL or reported in the Human Gene Mutation Database (HGMD: prior to June 1st, 2018), and was therefore a candidate for classification through an automated scoring system. Utilizing variant allele frequency, disease prevalence and penetrance estimates, and inheritance mode, an automated score was calculated to assess if this variant is too frequent to cause the disease. Based on the score and internal cut-off values, a variant classified as likely benign is not then subjected to further curation. The score for this variant resulted in a classification of likely benign for this disease.

NM_004782.4(SNAP29):c.*3285G>T

Gene: SNAP29 (synaptosome associated protein 29; plus strand). Cytogenetic location: 22q11.21.
Variant type: single nucleotide variant.
Coding change: c.*3285G>T on transcript NM_004782.4 (MANE Select); 3285 bases downstream of the stop codon, G replaced by T.
Molecular consequence: 3 prime UTR variant.
Genome position (GRCh38, 1-based): chr22:20,891,121, G>T. VCF-style: chr22-20891121-G-T. GRCh37 (hg19) VCF-style: chr22-21245409-G-T.
Identifiers: ClinVar variation 900499 (VCV000900499.4), dbSNP rs112322969, ClinGen allele CA322279183.